The following is an entry in ClinVar:

NM_001018115.3(FANCD2):c.3707G>T (p.Arg1236Leu)

Genes: FANCD2 (FA complementation group D2; plus strand), FANCD2OS (FANCD2 opposite strand; minus strand). Cytogenetic location: 3p25.3.
Variant type: single nucleotide variant.
Coding change: c.3707G>T on transcript NM_001018115.3 (MANE Select); coding-DNA position 3707, G replaced by T.
Protein change: p.Arg1236Leu; replaces arginine 1236 with leucine.
Molecular consequence: missense variant. On other transcripts: intron variant (1).
Genome position (GRCh38, 1-based): chr3:10,090,315, G>T. VCF-style: chr3-10090315-G-T. GRCh37 (hg19) VCF-style: chr3-10131999-G-T.
Other names: c.3707G>T, p.Arg1236Leu (NM_001319984.2, NM_001374254.1, NM_033084.6); c.3596G>T, p.Arg1199Leu (NM_001374253.1); c.*44-8784C>A (NM_173472.2); short protein forms R1236L, R1199L.
Identifiers: ClinVar variation 2039377 (VCV002039377.2), dbSNP rs121917786, ClinGen allele CA351755232.
Genomic context (GRCh38, chr3:10,090,315, plus strand): 5'-TCATGGTGTGGGCACGCATGCTTTTCCCGTCTTCTAGGCATACTTTTGTTGTTTTCTTCC[G>T]TGTGATGATGGCTGAACTAGAGAAGACGGTGAAAAAAATTGAGCCTGGCACAGCAGCAGA-3'
Protein context (NP_001018125.1, residues 1226-1246): LTRHTFVVFF[Arg1236Leu]VMMAELEKTV

ClinVar aggregate classification (germline): Uncertain significance (1 of 4 stars; one submission).

Conditions:
Fanconi anemia (FA). Also called: Fanconi's anemia. Identifiers: Orphanet 84, MedGen C0015625, MeSH D005199, MONDO:0019391.

gnomAD v4.1: 2 of 1,613,514 alleles (0.00012%); highest among the groups gnomAD compares: Admixed American, 0.0033%; no homozygotes.

Submission:

Labcorp Genetics (formerly Invitae), Labcorp
Classification: Uncertain significance for Fanconi anemia. Last evaluated: 2024-07-04. Review status: criteria provided, single submitter. Criteria: Invitae Variant Classification Sherloc (09022015). Collection method: clinical testing. Allele origin: germline.
Comment: This sequence change replaces arginine, which is basic and polar, with leucine, which is neutral and non-polar, at codon 1236 of the FANCD2 protein (p.Arg1236Leu). This variant is present in population databases (no rsID available, gnomAD no frequency). This variant has not been reported in the literature in individuals affected with FANCD2-related conditions. ClinVar contains an entry for this variant (Variation ID: 2039377). Advanced modeling of protein sequence and biophysical properties (such as structural, functional, and spatial information, amino acid conservation, physicochemical variation, residue mobility, and thermodynamic stability) performed at Invitae indicates that this missense variant is expected to disrupt FANCD2 protein function with a positive predictive value of 80%. In summary, the available evidence is currently insufficient to determine the role of this variant in disease. Therefore, it has been classified as a Variant of Uncertain Significance.